The following is an entry in ClinVar:

NM_020338.4(ZMIZ1):c.2791A>G (p.Met931Val)

Gene: ZMIZ1 (zinc finger MIZ-type containing 1; plus strand). Cytogenetic location: 10q22.3.
Variant type: single nucleotide variant.
Coding change: c.2791A>G on transcript NM_020338.4 (MANE Select); coding-DNA position 2791, A replaced by G.
Protein change: p.Met931Val; replaces methionine 931 with valine.
Molecular consequence: missense variant.
Genome position (GRCh38, 1-based): chr10:79,307,527, A>G. VCF-style: chr10-79307527-A-G. GRCh37 (hg19) VCF-style: chr10-81067284-A-G.
Other names: c.2791A>G (NM_020338.3); short protein forms M931V.
Identifiers: ClinVar variation 3678110 (VCV003678110.4).
Genomic context (GRCh38, chr10:79,307,527, plus strand): 5'-ATGAATGACTTCATGCACGGGCCCCCCCAGCTCTCCCACCCCCCGGACATGCCCAACAAC[A>G]TGGCCGCCCTCGAGAAACCCCTCAGCCACCCCATGCAGGAAACTGTGAGTACCTCCTCCT-3'
Protein context (NP_065071.1, residues 921-941): LSHPPDMPNN[Met931Val]AALEKPLSHP

ClinVar aggregate classification (germline): Uncertain significance. Review status: criteria provided, multiple submitters, no conflicts (2 of 4 stars). 3 submissions from 3 submitters: Uncertain significance (3). Last evaluated 2026-06-10.

Conditions:
Inborn genetic diseases. Identifiers: MedGen C0950123, MeSH D030342.
ZMIZ1-related disorder. Also called: ZMIZ1-related condition.

gnomAD v4.1: 4 of 1,528,270 alleles (0.00026%); highest among the groups gnomAD compares: African/African-American, 0.0015%; no homozygotes.

Submissions (3):

PreventionGenetics, part of Exact Sciences
Classification: Uncertain significance for ZMIZ1-related condition. Last evaluated: 2026-06-10. Review status: criteria provided, single submitter. Criteria: ACMG Guidelines, 2015. Collection method: clinical testing. Allele origin: germline.
Comment: The ZMIZ1 c.2791A>G variant is predicted to result in the amino acid substitution p.Met931Val. To our knowledge, this variant has not been reported in the literature. This variant is reported in 0.012% of alleles in individuals of African descent in gnomAD. At this time, the clinical significance of this variant is uncertain due to the absence of conclusive functional and genetic evidence.

Ambry Genetics
Classification: Uncertain significance for Inborn genetic diseases. Last evaluated: 2025-02-07. Review status: criteria provided, single submitter. Criteria: Ambry Variant Classification Scheme 2023. Collection method: clinical testing. Allele origin: germline.

Labcorp Genetics (formerly Invitae), Labcorp
Classification: Uncertain significance. Last evaluated: 2024-05-03. Review status: criteria provided, single submitter. Criteria: Invitae Variant Classification Sherloc (09022015). Collection method: clinical testing. Allele origin: germline.
Comment: This sequence change replaces methionine, which is neutral and non-polar, with valine, which is neutral and non-polar, at codon 931 of the ZMIZ1 protein (p.Met931Val). This variant is present in population databases (no rsID available, gnomAD 0.01%). This variant has not been reported in the literature in individuals affected with ZMIZ1-related conditions. Advanced modeling of protein sequence and biophysical properties (such as structural, functional, and spatial information, amino acid conservation, physicochemical variation, residue mobility, and thermodynamic stability) performed at Invitae indicates that this missense variant is not expected to disrupt ZMIZ1 protein function with a negative predictive value of 80%. In summary, the available evidence is currently insufficient to determine the role of this variant in disease. Therefore, it has been classified as a Variant of Uncertain Significance.